The following is an entry in ClinVar:

NM_000126.4(ETFA):c.39+1G>T

Gene: ETFA (electron transfer flavoprotein subunit alpha; minus strand). Cytogenetic location: 15q24.3.
Variant type: single nucleotide variant.
Coding change: c.39+1G>T on transcript NM_000126.4 (MANE Select); the canonical splice donor site of the intron after coding-DNA position 39, G replaced by T.
Molecular consequence: splice donor variant.
Genome position (GRCh38, 1-based): chr15:76,311,349, C>A on the plus strand (G>T on the coding strand, the complement: ETFA is on the minus strand). VCF-style: chr15-76311349-C-A. GRCh37 (hg19) VCF-style: chr15-76603690-C-A.
Other names: c.39+1G>T (NM_001127716.2).
Identifiers: ClinVar variation 2711478 (VCV002711478.3), dbSNP rs2543051746, ClinGen allele CA393519502.

ClinVar aggregate classification (germline): Likely pathogenic (1 of 4 stars; one submission).

Conditions:
Multiple acyl-CoA dehydrogenase deficiency (MADD). Also called: ETHYLMALONIC-ADIPICACIDURIA; GA II; Glutaric aciduria, type 2; Glutaric Acidemia type 2; Glutaric acidemia type II; GA 2. Identifiers: Orphanet 26791, MedGen C0268596, MONDO:0009282, OMIM 231680.

Submission:

Labcorp Genetics (formerly Invitae), Labcorp
Classification: Likely pathogenic for Multiple acyl-CoA dehydrogenase deficiency. Last evaluated: 2023-12-21. Review status: criteria provided, single submitter. Criteria: Invitae Variant Classification Sherloc (09022015). Collection method: clinical testing. Allele origin: germline.
Comment: This sequence change affects a donor splice site in intron 1 of the ETFA gene. It is expected to disrupt RNA splicing. Variants that disrupt the donor or acceptor splice site typically lead to a loss of protein function (PMID: 16199547), and loss-of-function variants in ETFA are known to be pathogenic (PMID: 16510302, 23785301). This variant is not present in population databases (gnomAD no frequency). This variant has not been reported in the literature in individuals affected with ETFA-related conditions. Algorithms developed to predict the effect of sequence changes on RNA splicing suggest that this variant may disrupt the consensus splice site. In summary, the currently available evidence indicates that the variant is pathogenic, but additional data are needed to prove that conclusively. Therefore, this variant has been classified as Likely Pathogenic.

Literature cited by the submitters: PubMed 16199547; PubMed 16510302; PubMed 23785301.